The following is an entry in ClinVar:

ClinVar aggregate classification (germline): Uncertain significance (1 of 4 stars; one submission).

Conditions:
Deafness-lymphedema-leukemia syndrome. Also called: Lymphedema, primary, with myelodysplasia; Emberger syndrome. Identifiers: Orphanet 3226, MedGen C3279664, MONDO:0013540, OMIM 614038.
Monocytopenia with susceptibility to infections. Also called: MONOCYTOPENIA AND MYCOBACTERIAL INFECTION SYNDROME; MONOCYTOPENIA WITH SUSCEPTIBILITY TO MYCOBACTERIAL, FUNGAL, AND PAPILLOMAVIRUS INFECTIONS AND MYELODYSPLASIA; COMBINED IMMUNODEFICIENCY WITH SUSCEPTIBILITY TO MYCOBACTERIAL, VIRAL, AND FUNGAL INFECTIONS; Dendritic cell, monocyte, B lymphocyte, and natural killer lymphocyte deficiency; IMMUNODEFICIENCY 21; GATA2 DEFICIENCY. Identifiers: Orphanet 228423, MedGen C3280030, MONDO:0013607, OMIM 614172.

Submission:

Labcorp Genetics (formerly Invitae), Labcorp
Classification: Uncertain significance for Monocytopenia with susceptibility to infections; Deafness-lymphedema-leukemia syndrome. Last evaluated: 2024-06-05. Review status: criteria provided, single submitter. Criteria: Invitae Variant Classification Sherloc (09022015). Collection method: clinical testing. Allele origin: germline.
Comment: This sequence change results in a frameshift in the GATA2 gene (p.Pro456Glnfs*89). While this is not anticipated to result in nonsense mediated decay, it is expected to disrupt the last 25 amino acid(s) of the GATA2 protein and extend the protein by 63 additional amino acid residues. This variant is not present in population databases (gnomAD no frequency). This variant has not been reported in the literature in individuals affected with GATA2-related conditions. Experimental studies and prediction algorithms are not available or were not evaluated, and the functional significance of this variant is currently unknown. In summary, the available evidence is currently insufficient to determine the role of this variant in disease. Therefore, it has been classified as a Variant of Uncertain Significance.

NM_032638.5(GATA2):c.1339_1366dup (p.Pro456fs)

Gene: GATA2 (GATA binding protein 2; minus strand). Cytogenetic location: 3q21.3.
Variant type: Duplication.
Coding change: c.1339_1366dup on transcript NM_032638.5 (MANE Select); coding-DNA positions 1339 to 1366, 28 bases duplicated (AGCCACTCCGGACACATCCTGCCCACTC).
Protein change: p.Pro456fs; shifts the reading frame from proline 456.
Molecular consequence: frameshift variant.
Genome position (GRCh38, 1-based): chr3:128,481,096-128,481,123, GAGTGGGCAGGATGTGTCCGGAGTGGCT duplicated on the plus strand (AGCCACTCCGGACACATCCTGCCCACTC on the coding strand, the reverse complement: GATA2 is on the minus strand); duplicating any 28 consecutive bases within chr3:128,481,096-128,481,125 gives the same sequence; the c. name uses the placement nearest the transcript's 3' end. VCF-style (leftmost placement, unchanged base first): chr3-128481095-G-GGAGTGGGCAGGATGTGTCCGGAGTGGCT. GRCh37 (hg19) VCF-style: chr3-128199938-G-GGAGTGGGCAGGATGTGTCCGGAGTGGCT.
Other names: c.1339_1366dup, p.Pro456fs (NM_001145661.2); c.1297_1324dup, p.Pro442fs (NM_001145662.1); short protein forms P442fs, P456fs.
Identifiers: ClinVar variation 3756706 (VCV003756706.2).
Genomic context (GRCh38, chr3:128,481,095, plus strand): 5'-ACCATGCTGGACGGGTGGGGGTGGCCGAAGGAGAGGCTGGAGGAGGGGTGGATGGGCGTC[G>GGAGTGGGCAGGATGTGTCCGGAGTGGCT]GAGTGGGCAGGATGTGTCCGGAGTGGCTGAAGGGCGGGAGGTGGCCCACAGGTGCCATGT-3'